The following is an entry in ClinVar:

ClinVar aggregate classification (germline): Uncertain significance (1 of 4 stars; one submission).

Conditions:
Cardiomyopathy (CMYO). Also called: Cardiomyopathies. Identifiers: Orphanet 167848, MedGen C0878544, MONDO:0004994, HP:0001638. Inheritance: Various modes of inheritance.

Submission:

Color Diagnostics, LLC DBA Color Health
Classification: Uncertain significance for Cardiomyopathy. Last evaluated: 2024-03-06. Review status: criteria provided, single submitter. Criteria: ACMG Guidelines, 2015. Collection method: clinical testing. Allele origin: germline.
Comment: This missense variant replaces proline with alanine at codon 3663 of the RYR2 protein. Computational prediction tool suggests that this variant may have deleterious impact on protein structure and function (internally defined REVEL score threshold >=0.7, PMID: 27666373). Splice site prediction tools suggest that this variant may not impact RNA splicing. To our knowledge, functional studies have not been performed for this variant. This variant has not been reported in individuals affected with cardiovascular disorders in the literature. This variant has not been identified in the general population by the Genome Aggregation Database (gnomAD). The available evidence is insufficient to determine the role of this variant in disease conclusively. Therefore, this variant is classified as a Variant of Uncertain Significance.

NM_001035.3(RYR2):c.10987C>G (p.Pro3663Ala)

Gene: RYR2 (ryanodine receptor 2; plus strand). Cytogenetic location: 1q43.
Variant type: single nucleotide variant.
Coding change: c.10987C>G on transcript NM_001035.3 (MANE Select); coding-DNA position 10987, C replaced by G.
Protein change: p.Pro3663Ala; replaces proline 3663 with alanine.
Molecular consequence: missense variant.
Genome position (GRCh38, 1-based): chr1:237,732,097, C>G. VCF-style: chr1-237732097-C-G. GRCh37 (hg19) VCF-style: chr1-237895397-C-G.
Other names: short protein forms P3663A.
Identifiers: ClinVar variation 927362 (VCV000927362.4), dbSNP rs1299197961, ClinGen allele CA345419017.